The following is an entry in ClinVar:

ClinVar aggregate classification (germline): Likely pathogenic. Review status: criteria provided, multiple submitters, no conflicts (2 of 4 stars). 2 submissions from 2 submitters: Likely pathogenic (2). Last evaluated 2025-03-06.

Conditions:
CASQ2-related disorder. Also called: CASQ2-related condition.

gnomAD v4.1: 1 of 1,576,288 alleles (0.000063%); highest among the groups gnomAD compares: South Asian, 0.0011%; no homozygotes.

Submissions (2):

Dasa
Classification: Likely pathogenic. Last evaluated: 2025-03-06. Review status: criteria provided, single submitter. Criteria: DASA Assertion Criteria. Collection method: clinical testing. Allele origin: germline.
Comment: NM_001232.4(CASQ2):c.532+2T>C affects a canonical splice site and is predicted to disrupt normal RNA splicing. Loss of function is an established disease mechanism for CASQ2-associated disorders. Also, this variant is rare in population databases. Based on the currently available evidence, this variant is classified as likely pathogenic.

PreventionGenetics, part of Exact Sciences
Classification: Likely pathogenic for CASQ2-related condition. Last evaluated: 2025-03-06. Review status: criteria provided, single submitter. Criteria: ACMG Guidelines, 2015. Collection method: clinical testing. Allele origin: germline.
Comment: The CASQ2 c.532+2T>C variant is predicted to disrupt the GT donor site and interfere with normal splicing. To our knowledge, this variant has not been reported in the literature. An alternate splice change at the same splice site (c.532+1G>A) has been reported in homozygous and compound heterozygous state in multiple families affected with catecholaminergic polymorphic ventricular tachycardia (CPVT) while heterozygous carriers of this variant were unaffected (Postma et al. 2002. PubMed ID: 12386154; Josephs et al. 2017. PubMed ID: 29178653; Li et al. 2019. PubMed ID: 31482657; Ng et al. 2020. PubMed ID: 32693635). This variant is reported in 0.0033% of alleles in individuals of South Asian descent in gnomAD. Variants that disrupt the consensus splice donor site in CASQ2 are expected to be pathogenic. The c.532+1G>A variant is interpreted as likely pathogenic.

NM_001232.4(CASQ2):c.532+2T>C

Gene: CASQ2 (calsequestrin 2; minus strand). Cytogenetic location: 1p13.1.
Variant type: single nucleotide variant.
Coding change: c.532+2T>C on transcript NM_001232.4 (MANE Select); the canonical splice donor site of the intron after coding-DNA position 532, T replaced by C.
Molecular consequence: splice donor variant.
Genome position (GRCh38, 1-based): chr1:115,738,222, A>G on the plus strand (T>C on the coding strand, the complement: CASQ2 is on the minus strand). VCF-style: chr1-115738222-A-G. GRCh37 (hg19) VCF-style: chr1-116280843-A-G.
Other names: c.532+2T>C (NM_001232.3).
Identifiers: ClinVar variation 4885333 (VCV004885333.3).